The following is an entry in ClinVar:

NM_201384.3(PLEC):c.10046C>T (p.Thr3349Met)

Gene: PLEC (plectin; minus strand). Cytogenetic location: 8q24.3.
Variant type: single nucleotide variant.
Coding change: c.10046C>T on transcript NM_201384.3 (MANE Select); coding-DNA position 10046, C replaced by T.
Protein change: p.Thr3349Met; replaces threonine 3349 with methionine.
Molecular consequence: missense variant.
Genome position (GRCh38, 1-based): chr8:143,919,775, G>A on the plus strand (C>T on the coding strand, the complement: PLEC is on the minus strand). VCF-style: chr8-143919775-G-A. GRCh37 (hg19) VCF-style: chr8-144993943-G-A.
Other names: p.Thr3335Met; c.10127C>T, p.Thr3376Met (NM_000445.5); c.10004C>T, p.Thr3335Met (NM_201378.4); c.9980C>T, p.Thr3327Met (NM_201379.3); c.10457C>T, p.Thr3486Met (NM_201380.4); c.9950C>T, p.Thr3317Met (NM_201381.3); c.10046C>T, p.Thr3349Met (NM_201382.4); c.10058C>T, p.Thr3353Met (NM_201383.3); short protein forms T3317M, T3327M, T3335M, T3349M, T3353M, T3376M, T3486M.
Identifiers: ClinVar variation 129921 (VCV000129921.19), dbSNP rs34725742, ClinGen allele CA154326.
Genomic context (GRCh38, chr8:143,919,775, plus strand): 5'-ACCTTCTCCTTGGTGTCCTCCAGGTAGATGCCGGCGAGGCAGCCACTGCCCTGCAGCAGC[G>A]TCCGCACGGAGCCCAGCTCCGAAAGGTCCTTGACCGTCGTCTTGCCGTCCTTGAGCTGCT-3'
Protein context (NP_958786.1, residues 3339-3359): KDLSELGSVR[Thr3349Met]LLQGSGCLAG

ClinVar aggregate classification (germline): Benign. Review status: criteria provided, multiple submitters, no conflicts (2 of 4 stars). 6 submissions from 6 submitters: Benign (5). 1 of the submissions does not count toward it. Last evaluated 2026-02-03.

Conditions:
Epidermolysis bullosa simplex 5C, with pyloric atresia (EBS5C). Also called: PLEC-Related Epidermolysis Bullosa with Pyloric Atresia; Epidermolysis bullosa simplex with pyloric atresia; PLEC1-Related Epidermolysis Bullosa with Pyloric Atresia. Identifiers: Orphanet 158684, MedGen C2677349, MONDO:0012807, OMIM 612138.
Autosomal recessive limb-girdle muscular dystrophy type 2Q (LGMDR17). Also called: MUSCULAR DYSTROPHY, LIMB-GIRDLE, AUTOSOMAL RECESSIVE 17. Identifiers: Orphanet 254361, MedGen C3150989, MONDO:0013390, OMIM 613723.
Epidermolysis bullosa simplex with nail dystrophy (EBS5D). Identifiers: MedGen C4225309, MONDO:0014661, OMIM 616487.
Epidermolysis bullosa simplex 5B, with muscular dystrophy (EBS5B). Also called: Epidermolysis bullosa simplex with muscular dystrophy; EPIDERMOLYSIS BULLOSA SIMPLEX AND LIMB-GIRDLE MUSCULAR DYSTROPHY. Identifiers: Orphanet 257, MedGen C2931072, MONDO:0009181, OMIM 226670.
Epidermolysis bullosa simplex, Ogna type (EBS5A). Also called: Pidermolysis bullosa simplex 5A, Ogna type; EPIDERMOLYSIS BULLOSA SIMPLEX 5A, OGNA TYPE. Identifiers: Orphanet 79401, MedGen C0432317, MONDO:0007555, OMIM 131950.

Allele frequency attached by ClinVar (database versions not stated): gnomAD exomes 0.00217 and 0.00526; ExAC 0.00681; gnomAD 0.02201 and 0.02357; ESP Exome Variant Server 0.02280; TOPMed 0.02412; 1000 Genomes Project 0.02855; 1000 Genomes Project 30x 0.03029.
gnomAD v4.1: 6,651 of 1,612,132 alleles (0.41%); highest among the groups gnomAD compares: African/African-American, 7.7%; 230 homozygotes.

Submissions (6):

Labcorp Genetics (formerly Invitae), Labcorp
Classification: Benign for Autosomal recessive limb-girdle muscular dystrophy type 2Q; Epidermolysis bullosa simplex, Ogna type; Epidermolysis bullosa simplex with nail dystrophy; Epidermolysis bullosa simplex 5C, with pyloric atresia; Epidermolysis bullosa simplex 5B, with muscular dystrophy. Last evaluated: 2026-02-03. Review status: criteria provided, single submitter. Criteria: Invitae Variant Classification Sherloc (09022015). Collection method: clinical testing. Allele origin: germline.

Athena Diagnostics
Classification: Benign. Last evaluated: 2024-04-15. Review status: criteria provided, single submitter. Criteria: Athena Diagnostics Criteria. Collection method: clinical testing. Allele origin: unknown.

Mayo Clinic Laboratories, Mayo Clinic
Classification: Benign. Last evaluated: 2018-06-19. Review status: criteria provided, single submitter. Criteria: ACMG Guidelines, 2015. Collection method: clinical testing. Allele origin: germline. Observed: 14 variant alleles.

GeneDx
Classification: Benign. Last evaluated: 2017-11-27. Review status: criteria provided, single submitter. Criteria: GeneDx Variant Classification (06012015). Collection method: clinical testing. Allele origin: germline. Affected: yes.
Comment: This variant is considered likely benign or benign based on one or more of the following criteria: it is a conservative change, it occurs at a poorly conserved position in the protein, it is predicted to be benign by multiple in silico algorithms, and/or has population frequency not consistent with disease.

Breakthrough Genomics
Classification: Benign. Review status: criteria provided, single submitter. Criteria: ACMG Guidelines, 2015. Collection method: not provided. Allele origin: germline. Inheritance: Autosomal recessive inheritance. Affected: yes.

Genetic Services Laboratory, University of Chicago
Classification: Likely benign for AllHighlyPenetrant. Review status: no assertion criteria provided. Collection method: clinical testing. Allele origin: germline. Inheritance: Autosomal recessive inheritance. Not counted in ClinVar's aggregate classification.
Comment: Likely benign based on allele frequency in 1000 Genomes Project or ESP global frequency and its presence in a patient with a rare or unrelated disease phenotype. NOT Sanger confirmed.